The following is an entry in ClinVar:

ClinVar aggregate classification (germline): Benign (1 of 4 stars; one submission).

Allele frequency attached by ClinVar (database versions not stated): gnomAD 0.10778; TOPMed 0.10803; 1000 Genomes Project 30x 0.11555; 1000 Genomes Project 0.11721.
gnomAD v4.1: 160,467 of 1,377,248 alleles (12%); highest among the groups gnomAD compares: Admixed American, 15%; 9,737 homozygotes.

Submission:

Unidad de Genómica Garrahan, Hospital de Pediatría Garrahan
Classification: Benign. Last evaluated: 2023-11-12. Review status: criteria provided, single submitter. Criteria: ACMG Guidelines, 2015. Collection method: clinical testing. Allele origin: germline. Affected: no. Observed: 25 variant alleles.
Comment: This variant is classified as Benign based on local population frequency. This variant was detected in 26% of patients studied by a panel of primary immunodeficiencies. Number of patients: 25. Only high quality variants are reported.

NM_001905.4(CTPS1):c.1393+66A>G

Genes: CTPS1 (CTP synthase 1; plus strand), LOC126805717 (MED14-independent group 3 enhancer GRCh37_chr1:41472557-41473756; plus strand). Cytogenetic location: 1p34.2.
Variant type: single nucleotide variant.
Coding change: c.1393+66A>G on transcript NM_001905.4 (MANE Select); 66 bases into the intron after coding-DNA position 1393, A replaced by G.
Molecular consequence: intron variant.
Genome position (GRCh38, 1-based): chr1:41,007,611, A>G. VCF-style: chr1-41007611-A-G. GRCh37 (hg19) VCF-style: chr1-41473283-A-G.
Other names: c.925+66A>G (NM_001301237.2).
Identifiers: ClinVar variation 2628255 (VCV002628255.2), dbSNP rs41308258, ClinGen allele CA10922027.